The following is an entry in ClinVar:

ClinVar aggregate classification (germline): Likely benign. Review status: criteria provided, multiple submitters, no conflicts (2 of 4 stars). 3 submissions from 3 submitters: Likely benign (3). Last evaluated 2024-03-29.

Conditions:
RYR1-related disorder. Also called: RYR1-related condition; RYR1-related disorders. Identifiers: MedGen CN239331.
Malignant hyperthermia, susceptibility to, 1 (MHS1). Also called: Anesthesia related hyperthermia; Malignant hyperpyrexia; Fulminating hyperpyrexia; Pharmacogenic myopathy; RYR1-Related Malignant Hyperthermia Susceptibility; Malignant hyperthermia suceptibility 1. Identifiers: Orphanet 423, MedGen C2930980, MONDO:0007783, OMIM 145600.

Allele frequency attached by ClinVar (database versions not stated): gnomAD exomes below 0.00001; ExAC 0.00001.
gnomAD v4.1: 2 of 1,613,912 alleles (0.00012%); highest among the groups gnomAD compares: Non-Finnish European, 0.00017%; no homozygotes.

Submissions (3):

Labcorp Genetics (formerly Invitae), Labcorp
Classification: Likely benign for RYR1-related disorder. Last evaluated: 2024-03-29. Review status: criteria provided, single submitter. Criteria: Invitae Variant Classification Sherloc (09022015). Collection method: clinical testing. Allele origin: germline.

All of Us Research Program, National Institutes of Health
Classification: Likely benign for Malignant hyperthermia, susceptibility to, 1. Last evaluated: 2023-10-23. Review status: criteria provided, single submitter. Criteria: ACMG Guidelines, 2015. Collection method: clinical testing. Allele origin: germline. Inheritance: Autosomal dominant inheritance. Observed: 1 variant allele, 1 heterozygote.
Comment: This study involves interpretation of variants in research participants for the purpose of population health screening. Participant phenotype was not available at the time of variant classification. Additional details can be found in publication PMID: 35346344, PMCID: PMC8962531

Color Diagnostics, LLC DBA Color Health
Classification: Likely benign for Malignant hyperthermia, susceptibility to, 1. Last evaluated: 2023-08-31. Review status: criteria provided, single submitter. Criteria: ACMG Guidelines, 2015. Collection method: clinical testing. Allele origin: germline.

NM_000540.3(RYR1):c.11121C>T (p.Arg3707=)

Gene: RYR1 (ryanodine receptor 1; plus strand). Cytogenetic location: 19q13.2.
Variant type: single nucleotide variant.
Coding change: c.11121C>T on transcript NM_000540.3 (MANE Select); coding-DNA position 11121, C replaced by T.
Protein change: p.Arg3707=; no amino-acid change (arginine 3707 retained).
Molecular consequence: synonymous variant.
Genome position (GRCh38, 1-based): chr19:38,529,037, C>T. VCF-style: chr19-38529037-C-T. GRCh37 (hg19) VCF-style: chr19-39019677-C-T.
Other names: c.11106C>T, p.Arg3702= (NM_001042723.2).
Identifiers: ClinVar variation 3074127 (VCV003074127.4), dbSNP rs769727038, ClinGen allele CA055868.